The following is an entry in ClinVar:

NM_016616.5(NME8):c.198+1G>C

Gene: NME8 (NME/NM23 family member 8; plus strand). Cytogenetic location: 7p14.1.
Variant type: single nucleotide variant.
Coding change: c.198+1G>C on transcript NM_016616.5 (MANE Select); the canonical splice donor site of the intron after coding-DNA position 198, G replaced by C.
Molecular consequence: splice donor variant.
Genome position (GRCh38, 1-based): chr7:37,850,736, G>C. VCF-style: chr7-37850736-G-C. GRCh37 (hg19) VCF-style: chr7-37890338-G-C.
Identifiers: ClinVar variation 3654451 (VCV003654451.2).

ClinVar aggregate classification (germline): Uncertain significance (1 of 4 stars; one submission).

Conditions:
Primary ciliary dyskinesia 6. Also called: Primary Ciliary Dyskinesia 6: TXNDC3-Related Primary Ciliary Dyskinesia. Identifiers: Orphanet 244, MedGen C1970506, MONDO:0012571, OMIM 610852.

Submission:

Labcorp Genetics (formerly Invitae), Labcorp
Classification: Uncertain significance for Primary ciliary dyskinesia 6. Last evaluated: 2024-05-23. Review status: criteria provided, single submitter. Criteria: Invitae Variant Classification Sherloc (09022015). Collection method: clinical testing. Allele origin: germline.
Comment: This sequence change affects a donor splice site in intron 5 of the NME8 gene. It is expected to disrupt RNA splicing. Variants that disrupt the donor or acceptor splice site typically lead to a loss of protein function (PMID: 16199547), however the current clinical and genetic evidence is not sufficient to establish whether loss-of-function variants in NME8 cause disease. This variant is not present in population databases (gnomAD no frequency). This variant has not been reported in the literature in individuals affected with NME8-related conditions. Algorithms developed to predict the effect of sequence changes on RNA splicing suggest that this variant may disrupt the consensus splice site. In summary, the available evidence is currently insufficient to determine the role of this variant in disease. Therefore, it has been classified as a Variant of Uncertain Significance.

Literature cited by the submitters: PubMed 16199547.